The following is an entry in ClinVar:

ClinVar aggregate classification (germline): Uncertain significance (1 of 4 stars; one submission).

Conditions:
EYA1-related disorder. Also called: EYA1-related condition.

gnomAD v4.1: 9 of 1,585,352 alleles (0.00057%); highest among the groups gnomAD compares: Middle Eastern, 0.05%; no homozygotes.

Submission:

PreventionGenetics, part of Exact Sciences
Classification: Uncertain significance for EYA1-related condition. Last evaluated: 2025-01-07. Review status: criteria provided, single submitter. Criteria: ACMG Guidelines, 2015. Collection method: clinical testing. Allele origin: germline.
Comment: The EYA1 c.14C>T variant is predicted to result in the amino acid substitution p.Pro5Leu. To our knowledge, this variant has not been reported in the literature or in a large population database (gnomAD), indicating this variant is rare. At this time, the clinical significance of this variant is uncertain due to the absence of conclusive functional and genetic evidence.

NM_000503.6(EYA1):c.-16C>T

Gene: EYA1 (EYA transcriptional coactivator and phosphatase 1; minus strand). Cytogenetic location: 8q13.3.
Variant type: single nucleotide variant.
Coding change: c.-16C>T on transcript NM_000503.6 (MANE Select); 16 bases upstream of the start codon, C replaced by T.
Molecular consequence: 5 prime UTR variant. On other transcripts: synonymous variant (3), missense variant (2).
Genome position (GRCh38, 1-based): chr8:71,356,473, G>A on the plus strand (C>T on the coding strand, the complement: EYA1 is on the minus strand). VCF-style: chr8-71356473-G-A. GRCh37 (hg19) VCF-style: chr8-72268708-G-A.
Other names: c.-16C>T (NM_001288574.2, NM_001370334.1, NM_001370335.1 and 1 more transcripts); c.-300C>T (NM_001288575.2); c.72C>T, p.Ser24= (NM_001370333.1, NM_001370336.1, NM_172059.5); c.14C>T, p.Pro5Leu (NM_001411797.1, NM_172060.4); short protein forms P5L.
Identifiers: ClinVar variation 4981857 (VCV004981857.1).